The following is an entry in ClinVar:

NM_033100.4(CDHR1):c.1877C>A (p.Thr626Lys)

Gene: CDHR1 (cadherin related family member 1; plus strand). Cytogenetic location: 10q23.1.
Variant type: single nucleotide variant.
Coding change: c.1877C>A on transcript NM_033100.4 (MANE Select); coding-DNA position 1877, C replaced by A.
Protein change: p.Thr626Lys; replaces threonine 626 with lysine.
Molecular consequence: missense variant.
Genome position (GRCh38, 1-based): chr10:84,213,185, C>A. VCF-style: chr10-84213185-C-A. GRCh37 (hg19) VCF-style: chr10-85972941-C-A.
Other names: c.1877C>A, p.Thr626Lys (NM_001171971.3); c.1877C>A (NM_033100.2); short protein forms T626K.
Identifiers: ClinVar variation 1001116 (VCV001001116.7), dbSNP rs143024855, ClinGen allele CA5580082.

ClinVar aggregate classification (germline): Uncertain significance. Review status: criteria provided, multiple submitters, no conflicts (2 of 4 stars). 3 submissions from 3 submitters: Uncertain significance (3). Last evaluated 2024-10-16.

Conditions:
Inborn genetic diseases. Identifiers: MedGen C0950123, MeSH D030342.

Allele frequency attached by ClinVar (database versions not stated): TOPMed 0.00006; ESP Exome Variant Server 0.00038.
gnomAD v4.1: 54 of 1,614,134 alleles (0.0033%); highest among the groups gnomAD compares: Non-Finnish European, 0.0043%; no homozygotes.

Submissions (3):

Blueprint Genetics
Classification: Uncertain significance. Last evaluated: 2024-10-16. Review status: criteria provided, single submitter. Criteria: ACMG Guidelines, 2015. Collection method: clinical testing. Allele origin: germline.

Ambry Genetics
Classification: Uncertain significance for Inborn genetic diseases. Last evaluated: 2024-01-03. Review status: criteria provided, single submitter. Criteria: Ambry Variant Classification Scheme 2023. Collection method: clinical testing. Allele origin: germline.

Labcorp Genetics (formerly Invitae), Labcorp
Classification: Uncertain significance. Last evaluated: 2022-07-15. Review status: criteria provided, single submitter. Criteria: Invitae Variant Classification Sherloc (09022015). Collection method: clinical testing. Allele origin: germline.
Comment: This sequence change replaces threonine, which is neutral and polar, with lysine, which is basic and polar, at codon 626 of the CDHR1 protein (p.Thr626Lys). This variant is present in population databases (rs143024855, gnomAD 0.008%). This variant has not been reported in the literature in individuals affected with CDHR1-related conditions. ClinVar contains an entry for this variant (Variation ID: 1001116). Advanced modeling of protein sequence and biophysical properties (such as structural, functional, and spatial information, amino acid conservation, physicochemical variation, residue mobility, and thermodynamic stability) performed at Invitae indicates that this missense variant is not expected to disrupt CDHR1 protein function. Algorithms developed to predict the effect of sequence changes on RNA splicing suggest that this variant may create or strengthen a splice site. In summary, the available evidence is currently insufficient to determine the role of this variant in disease. Therefore, it has been classified as a Variant of Uncertain Significance.